The following is an entry in ClinVar:

NM_005422.4(TECTA):c.3850C>T (p.Arg1284Cys)

Genes: TBCEL-TECTA (TBCEL-TECTA readthrough; plus strand), TECTA (tectorin alpha; plus strand). Cytogenetic location: 11q23.3.
Variant type: single nucleotide variant.
Coding change: c.3850C>T on transcript NM_005422.4 (MANE Select); coding-DNA position 3850, C replaced by T.
Protein change: p.Arg1284Cys; replaces arginine 1284 with cysteine.
Molecular consequence: missense variant.
Genome position (GRCh38, 1-based): chr11:121,145,861, C>T. VCF-style: chr11-121145861-C-T. GRCh37 (hg19) VCF-style: chr11-121016570-C-T.
Other names: c.4807C>T, p.Arg1603Cys (NM_001378761.1); short protein forms R1284C, R1603C.
Identifiers: ClinVar variation 1810164 (VCV001810164.6), dbSNP rs986051481, ClinGen allele CA383022642.

ClinVar aggregate classification (germline): Conflicting classifications of pathogenicity. Review status: criteria provided, conflicting classifications (1 of 4 stars). 2 submissions from 2 submitters: Likely pathogenic (1); Uncertain significance (1). Last evaluated 2025-10-24.

Allele frequency attached by ClinVar (database versions not stated): gnomAD exomes below 0.00001.
gnomAD v4.1: 2 of 1,614,234 alleles (0.00012%); highest among the groups gnomAD compares: South Asian, 0.0011%; no homozygotes.

Submissions (2):

Labcorp Genetics (formerly Invitae), Labcorp
Classification: Likely pathogenic. Last evaluated: 2025-10-24. Review status: criteria provided, single submitter. Criteria: Invitae Variant Classification Sherloc (09022015). Collection method: clinical testing. Allele origin: germline.
Comment: This sequence change replaces arginine, which is basic and polar, with cysteine, which is neutral and slightly polar, at codon 1284 of the TECTA protein (p.Arg1284Cys). This variant is not present in population databases (gnomAD no frequency). This missense change has been observed in individuals with autosomal dominant deafness (PMID: 26346818, 31554319; internal data). It has also been observed to segregate with disease in related individuals. ClinVar contains an entry for this variant (Variation ID: 1810164). Invitae Evidence Modeling of protein sequence and biophysical properties (such as structural, functional, and spatial information, amino acid conservation, physicochemical variation, residue mobility, and thermodynamic stability) indicates that this missense variant is not expected to disrupt TECTA protein function with a negative predictive value of 95%. In summary, the currently available evidence indicates that the variant is pathogenic, but additional data are needed to prove that conclusively. Therefore, this variant has been classified as Likely Pathogenic.

GeneDx
Classification: Uncertain significance. Last evaluated: 2025-10-22. Review status: criteria provided, single submitter. Criteria: GeneDx Variant Classification Process June 2021. Collection method: clinical testing. Allele origin: germline. Affected: yes.
Comment: Identified in patients with nonsyndromic hearing loss in published literature (PMID: 26346818, 31554319); Not observed at significant frequency in large population cohorts (gnomAD); In silico analysis suggests that this missense variant does not alter protein structure/function; This variant is associated with the following publications: (PMID: 31554319, 26346818, 9590290, 21520338, 34599366)

Literature cited by the submitters: PubMed 26346818 (cited by Labcorp Genetics (formerly Invitae), Labcorp); PubMed 31554319 (cited by Labcorp Genetics (formerly Invitae), Labcorp).